The following is an entry in ClinVar:

ClinVar aggregate classification (germline): Pathogenic (1 of 4 stars; one submission).

Conditions:
Methylmalonic aciduria, cblB type (MACB). Also called: Vitamin B12-responsive methylmalonic acidemia type cblB; METHYLMALONIC ACIDURIA, VITAMIN B12-RESPONSIVE, DUE TO DEFECT IN SYNTHESIS OF ADENOSYLCOBALAMIN, cblB TYPE; Methylmalonic acidemia cblB type. Identifiers: Orphanet 28, Orphanet 79311, MedGen C1855102, MONDO:0009614, OMIM 251110.

Submission:

Labcorp Genetics (formerly Invitae), Labcorp
Classification: Pathogenic for Methylmalonic aciduria, cblB type. Last evaluated: 2023-11-25. Review status: criteria provided, single submitter. Criteria: Invitae Variant Classification Sherloc (09022015). Collection method: clinical testing. Allele origin: germline.
Comment: This sequence change creates a premature translational stop signal (p.Glu112*) in the MMAB gene. It is expected to result in an absent or disrupted protein product. Loss-of-function variants in MMAB are known to be pathogenic (PMID: 15781192, 16410054). This variant is not present in population databases (gnomAD no frequency). This premature translational stop signal has been observed in individual(s) with clinical features of methylmalonic aciduria (PMID: 27591164). Algorithms developed to predict the effect of sequence changes on RNA splicing suggest that this variant may disrupt the consensus splice site. For these reasons, this variant has been classified as Pathogenic.

Literature cited by the submitters: PubMed 15781192; PubMed 16410054; PubMed 27591164.

NM_052845.4(MMAB):c.334G>T (p.Glu112Ter)

Gene: MMAB (metabolism of cobalamin associated B; minus strand). Cytogenetic location: 12q24.11.
Variant type: single nucleotide variant.
Coding change: c.334G>T on transcript NM_052845.4 (MANE Select); coding-DNA position 334, G replaced by T.
Protein change: p.Glu112Ter; replaces glutamic acid 112 with a stop codon.
Molecular consequence: nonsense. On other transcripts: non-coding transcript variant (1).
Genome position (GRCh38, 1-based): chr12:109,565,133, C>A on the plus strand (G>T on the coding strand, the complement: MMAB is on the minus strand). VCF-style: chr12-109565133-C-A. GRCh37 (hg19) VCF-style: chr12-110002938-C-A.
Other names: short protein forms E112*.
Identifiers: ClinVar variation 2735959 (VCV002735959.4), dbSNP rs376219481, ClinGen allele CA386638601.
Genomic context (GRCh38, chr12:109,565,133, plus strand): 5'-CACCGGGGCTGAAGATTCCCAGCTTGGGTGAGATGGTGTTACTCACTTTCTGAAGCTCTT[C>A]GGCAAATGTATGGCCCTTTTCTGTGACTAATTCCAGAGCAAACCTATGAAGAAAAAGGAA-3'